The following is an entry in ClinVar:

NM_004130.4(GYG1):c.551C>T (p.Pro184Leu)

Gene: GYG1 (glycogenin 1; plus strand). Cytogenetic location: 3q24.
Variant type: single nucleotide variant.
Coding change: c.551C>T on transcript NM_004130.4 (MANE Select); coding-DNA position 551, C replaced by T.
Protein change: p.Pro184Leu; replaces proline 184 with leucine.
Molecular consequence: missense variant.
Genome position (GRCh38, 1-based): chr3:149,009,345, C>T. VCF-style: chr3-149009345-C-T. GRCh37 (hg19) VCF-style: chr3-148727132-C-T.
Other names: c.551C>T (NM_004130.3); c.551C>T, p.Pro184Leu (NM_001184720.2, NM_001184721.2); short protein forms P184L.
Identifiers: ClinVar variation 1465648 (VCV001465648.7), dbSNP rs746196371, ClinGen allele CA2658588.

ClinVar aggregate classification (germline): Uncertain significance. Review status: criteria provided, multiple submitters, no conflicts (2 of 4 stars). 2 submissions from 2 submitters: Uncertain significance (2). Last evaluated 2025-12-15.

Conditions:
Inborn genetic diseases. Identifiers: MedGen C0950123, MeSH D030342.
Polyglucosan body myopathy type 2. Identifiers: Orphanet 456369, MedGen C4015452, MONDO:0014526, OMIM 616199.
Glycogen storage disease XV (GSD15). Also called: GLYCOGENIN DEFICIENCY; GSD XV. Identifiers: Orphanet 263297, MedGen C3150754, MONDO:0013291, OMIM 613507.

Allele frequency attached by ClinVar (database versions not stated): TOPMed 0.00002; gnomAD exomes 0.00003 and 0.00006; ExAC 0.00002; gnomAD 0.00005.
gnomAD v4.1: 93 of 1,611,328 alleles (0.0058%); highest among the groups gnomAD compares: South Asian, 0.014%; no homozygotes.

Submissions (2):

Labcorp Genetics (formerly Invitae), Labcorp
Classification: Uncertain significance for Polyglucosan body myopathy type 2; Glycogen storage disease XV. Last evaluated: 2025-12-15. Review status: criteria provided, single submitter. Criteria: Invitae Variant Classification Sherloc (09022015). Collection method: clinical testing. Allele origin: germline.
Comment: This sequence change replaces proline, which is neutral and non-polar, with leucine, which is neutral and non-polar, at codon 184 of the GYG1 protein (p.Pro184Leu). This variant is present in population databases (rs746196371, gnomAD 0.007%). This variant has not been reported in the literature in individuals affected with GYG1-related conditions. ClinVar contains an entry for this variant (Variation ID: 1465648). Invitae Evidence Modeling of protein sequence and biophysical properties (such as structural, functional, and spatial information, amino acid conservation, physicochemical variation, residue mobility, and thermodynamic stability) indicates that this missense variant is expected to disrupt GYG1 protein function with a positive predictive value of 80%. In summary, the available evidence is currently insufficient to determine the role of this variant in disease. Therefore, it has been classified as a Variant of Uncertain Significance.

Ambry Genetics
Classification: Uncertain significance for Inborn genetic diseases. Last evaluated: 2023-02-23. Review status: criteria provided, single submitter. Criteria: Ambry Variant Classification Scheme 2023. Collection method: clinical testing. Allele origin: germline.